The following is an entry in ClinVar:

ClinVar aggregate classification (germline): Uncertain significance (1 of 4 stars; one submission).

Conditions:
Combined immunodeficiency due to DOCK8 deficiency (HIES2). Also called: HIES autosomal recessive; HYPER-IgE SYNDROME 2, AUTOSOMAL RECESSIVE, WITH RECURRENT INFECTIONS; HYPER-IgE RECURRENT INFECTION SYNDROME 2, AUTOSOMAL RECESSIVE; DOCK8 Deficiency; Hyper-IgE recurrent infection syndrome, autosomal recessive. Identifiers: Orphanet 217390, MedGen C4722305, MONDO:0009478, OMIM 243700.

gnomAD v4.1: 1 of 1,614,068 alleles (0.000062%); no homozygotes.

Submission:

Labcorp Genetics (formerly Invitae), Labcorp
Classification: Uncertain significance for Combined immunodeficiency due to DOCK8 deficiency. Last evaluated: 2023-09-24. Review status: criteria provided, single submitter. Criteria: Invitae Variant Classification Sherloc (09022015). Collection method: clinical testing. Allele origin: germline.
Comment: This sequence change replaces glutamine, which is neutral and polar, with lysine, which is basic and polar, at codon 137 of the DOCK8 protein (p.Gln137Lys). In summary, the available evidence is currently insufficient to determine the role of this variant in disease. Therefore, it has been classified as a Variant of Uncertain Significance. An algorithm developed to predict the effect of missense changes on protein structure and function (PolyPhen-2) suggests that this variant is likely to be disruptive. This variant has not been reported in the literature in individuals affected with DOCK8-related conditions. This variant is not present in population databases (gnomAD no frequency).

NM_203447.4(DOCK8):c.409C>A (p.Gln137Lys)

Gene: DOCK8 (dedicator of cytokinesis 8; plus strand). Cytogenetic location: 9p24.3.
Variant type: single nucleotide variant.
Coding change: c.409C>A on transcript NM_203447.4 (MANE Select); coding-DNA position 409, C replaced by A.
Protein change: p.Gln137Lys; replaces glutamine 137 with lysine.
Molecular consequence: missense variant.
Genome position (GRCh38, 1-based): chr9:304,585, C>A. VCF-style: chr9-304585-C-A. GRCh37 (hg19) VCF-style: chr9-304585-C-A.
Other names: c.205C>A, p.Gln69Lys (NM_001190458.2, NM_001193536.2); short protein forms Q69K, Q137K.
Identifiers: ClinVar variation 2956075 (VCV002956075.3), dbSNP rs2049723197, ClinGen allele CA372758732.
Genomic context (GRCh38, chr9:304,585, plus strand): 5'-GGTTTGCCGCTCTCTCTCCCTCTTTCTCTCTCCAAATTAAATATCAACCATAAAAGAAAC[C>A]AAGGAAGTCCAGAAATCTGTGGCTTTAAAAAGACTGGATCTCGAAAAGATTTTCACAAGA-3'
Protein context (NP_982272.2, residues 127-147): REWLIVNRKN[Gln137Lys]GSPEICGFKK